The following is an entry in ClinVar:

NM_001102469.2(LIPN):c.1092C>A (p.Tyr364Ter)

Gene: LIPN (lipase family member N; plus strand). Cytogenetic location: 10q23.31.
Variant type: single nucleotide variant.
Coding change: c.1092C>A on transcript NM_001102469.2 (MANE Select); coding-DNA position 1092, C replaced by A.
Protein change: p.Tyr364Ter; replaces tyrosine 364 with a stop codon.
Molecular consequence: nonsense.
Genome position (GRCh38, 1-based): chr10:88,778,137, C>A. VCF-style: chr10-88778137-C-A. GRCh37 (hg19) VCF-style: chr10-90537894-C-A.
Other names: short protein forms Y364*.
Identifiers: ClinVar variation 1705065 (VCV001705065.1), dbSNP rs776461817, ClinGen allele CA5592043.

ClinVar aggregate classification (germline): Uncertain significance (1 of 4 stars; one submission).

Allele frequency attached by ClinVar (database versions not stated): gnomAD exomes 0.00001; ExAC 0.00002.
gnomAD v4.1: 4 of 1,613,630 alleles (0.00025%); highest among the groups gnomAD compares: Admixed American, 0.0017%; no homozygotes.

Submission:

Women's Health and Genetics/Laboratory Corporation of America, LabCorp
Classification: Uncertain significance. Last evaluated: 2022-08-10. Review status: criteria provided, single submitter. Criteria: LabCorp Variant Classification Summary - May 2015. Collection method: clinical testing. Allele origin: germline.
Comment: Variant summary: LIPN c.1092C>A (p.Tyr364X) results in a premature termination codon, predicted to cause a truncation of the encoded protein or absence of the protein. Truncations downstream of this position have not been classified as pathogenic by our laboratory or in ClinVar. The variant allele was found at a frequency of 1.6e-05 in 248602 control chromosomes (gnomAD). The available data on variant occurrences in the general population are insufficient to allow any conclusion about variant significance. To our knowledge, no occurrence of c.1092C>A in individuals affected with Lamellar Ichthyosis and no experimental evidence demonstrating its impact on protein function have been reported. No clinical diagnostic laboratories have submitted clinical-significance assessments for this variant to ClinVar after 2014. Based on the evidence outlined above, the variant was classified as uncertain significance.